The following is an entry in ClinVar:

NM_019066.5(MAGEL2):c.1323_1385del (p.Pro442_Pro462del)

Gene: MAGEL2 (MAGE family member L2; minus strand). Cytogenetic location: 15q11.2.
Variant type: Deletion.
Coding change: c.1323_1385del on transcript NM_019066.5 (MANE Select); coding-DNA positions 1323 to 1385, 63 bases deleted.
Protein change: p.Pro442_Pro462del.
Molecular consequence: inframe deletion.
Genome position (GRCh38, 1-based): chr15:23,646,358-23,646,420, 63 bases deleted. GRCh37 (hg19): chr15:23,891,521-23,891,583.
Identifiers: ClinVar variation 1931136 (VCV001931136.8), dbSNP rs1890404007, ClinGen allele CA967690895.

ClinVar aggregate classification (germline): Conflicting classifications of pathogenicity. Review status: criteria provided, conflicting classifications (1 of 4 stars). 3 submissions from 3 submitters: Uncertain significance (1); Likely benign (1). 1 of the submissions does not count toward it. Last evaluated 2023-07-17.

Conditions:
MAGEL2-related disorder. Also called: MAGEL2-related condition.
Inborn genetic diseases. Identifiers: MedGen C0950123, MeSH D030342.

Submissions (3):

Labcorp Genetics (formerly Invitae), Labcorp
Classification: Uncertain significance. Last evaluated: 2023-07-17. Review status: criteria provided, single submitter. Criteria: Invitae Variant Classification Sherloc (09022015). Collection method: clinical testing. Allele origin: germline.
Comment: This variant, c.1323_1385del, results in the deletion of 21 amino acid(s) of the MAGEL2 protein (p.Pro442_Pro462del), but otherwise preserves the integrity of the reading frame. In summary, the available evidence is currently insufficient to determine the role of this variant in disease. Therefore, it has been classified as a Variant of Uncertain Significance. This variant is not present in population databases (gnomAD no frequency). This variant has not been reported in the literature in individuals affected with MAGEL2-related conditions. ClinVar contains an entry for this variant (Variation ID: 1931136). Experimental studies and prediction algorithms are not available or were not evaluated, and the functional significance of this variant is currently unknown.

Ambry Genetics
Classification: Likely benign for Inborn genetic diseases. Last evaluated: 2022-06-13. Review status: criteria provided, single submitter. Criteria: Ambry Variant Classification Scheme 2023. Collection method: clinical testing. Allele origin: germline.

PreventionGenetics, part of Exact Sciences
Classification: Uncertain significance for MAGEL2-related condition. Last evaluated: 2024-06-27. Review status: no assertion criteria provided. Collection method: clinical testing. Allele origin: germline. Not counted in ClinVar's aggregate classification.
Comment: The MAGEL2 c.1323_1385del63 variant is predicted to result in an in-frame deletion (p.Pro442_Pro462del). To our knowledge, this variant has not been reported in the literature or in a large population database, indicating this variant is rare. At this time, the clinical significance of this variant is uncertain due to the absence of conclusive functional and genetic evidence.